The following is an entry in ClinVar:

ClinVar aggregate classification (germline): Uncertain significance (1 of 4 stars; one submission).

gnomAD v4.1: 1 of 1,597,578 alleles (0.000063%); highest among the groups gnomAD compares: South Asian, 0.0011%; no homozygotes.

Submission:

Ambry Genetics
Classification: Uncertain significance. Last evaluated: 2025-02-28. Review status: criteria provided, single submitter. Criteria: Ambry Variant Classification Scheme 2023. Collection method: clinical testing. Allele origin: germline.
Comment: The p.M415T variant (also known as c.1244T>C), located in coding exon 13 of the SRP72 gene, results from a T to C substitution at nucleotide position 1244. The methionine at codon 415 is replaced by threonine, an amino acid with similar properties. This amino acid position is conserved. In addition, this alteration is predicted to be deleterious by in silico analysis. Based on the available evidence, the clinical significance of this variant remains unclear.

NM_006947.4(SRP72):c.1244T>C (p.Met415Thr)

Gene: SRP72 (signal recognition particle 72; plus strand). Cytogenetic location: 4q12.
Variant type: single nucleotide variant.
Coding change: c.1244T>C on transcript NM_006947.4 (MANE Select); coding-DNA position 1244, T replaced by C.
Protein change: p.Met415Thr; replaces methionine 415 with threonine.
Molecular consequence: missense variant. On other transcripts: non-coding transcript variant (1).
Genome position (GRCh38, 1-based): chr4:56,489,407, T>C. VCF-style: chr4-56489407-T-C. GRCh37 (hg19) VCF-style: chr4-57355573-T-C.
Other names: c.1061T>C, p.Met354Thr (NM_001267722.2); short protein forms M415T, M354T.
Identifiers: ClinVar variation 3801505 (VCV003801505.1).
Genomic context (GRCh38, chr4:56,489,407, plus strand): 5'-GTGAAGGGGGAGTTCACTAATTTATACCTTTGGCTGTGTAGGTATCTGCATTAGTTACCA[T>C]GTATAGCCATGAAGAAGATATTGATAGTGCCATTGAGGTCTTCACACAAGCTATCCAGTG-3'
Protein context (NP_008878.3, residues 405-425): KPGMVSALVT[Met415Thr]YSHEEDIDSA